The following is an entry in ClinVar:

ClinVar aggregate classification (germline): Conflicting classifications of pathogenicity. Review status: criteria provided, conflicting classifications (1 of 4 stars). 12 submissions from 12 submitters: Uncertain significance (10); Likely benign (1). 1 of the submissions does not count toward it. Last evaluated 2026-02-04.

Conditions:
Inborn genetic diseases. Identifiers: MedGen C0950123, MeSH D030342.
Glycogen storage disease type III (GSD3). Also called: Cori disease; FORBES DISEASE. Identifiers: Orphanet 366, MedGen C0017922, MONDO:0009291, OMIM 232400.

Allele frequency attached by ClinVar (database versions not stated): 1000 Genomes Project 30x 0.00016; 1000 Genomes Project 0.00020; TOPMed 0.00032; ESP Exome Variant Server 0.00038; gnomAD exomes 0.00042 and 0.00043; ExAC 0.00044; gnomAD 0.00045 and 0.00047.
gnomAD v4.1: 680 of 1,603,240 alleles (0.042%); highest among the groups gnomAD compares: Non-Finnish European, 0.051%; 1 homozygote.

Submissions (12):

Labcorp Genetics (formerly Invitae), Labcorp
Classification: Likely benign for Glycogen storage disease type III. Last evaluated: 2026-02-04. Review status: criteria provided, single submitter. Criteria: Invitae Variant Classification Sherloc (09022015). Collection method: clinical testing. Allele origin: germline.

CeGaT Center for Human Genetics Tuebingen
Classification: Uncertain significance. Last evaluated: 2026-01-01. Review status: criteria provided, single submitter. Criteria: CeGaT Center For Human Genetics Tuebingen Variant Classification Criteria Version 2. Collection method: clinical testing. Allele origin: germline. Affected: yes. Observed: 3 variant alleles.
Comment: AGL: PM5

Blueprint Genetics
Classification: Uncertain significance. Last evaluated: 2024-09-17. Review status: criteria provided, single submitter. Criteria: ACMG Guidelines, 2015. Collection method: clinical testing. Allele origin: germline.

Mayo Clinic Laboratories, Mayo Clinic
Classification: Uncertain significance. Last evaluated: 2022-10-21. Review status: criteria provided, single submitter. Criteria: ACMG Guidelines, 2015. Collection method: clinical testing. Allele origin: germline. Observed: 1 variant allele.
Comment: PM2

Ambry Genetics
Classification: Uncertain significance for Inborn genetic diseases. Last evaluated: 2022-07-04. Review status: criteria provided, single submitter. Criteria: Ambry Variant Classification Scheme 2023. Collection method: clinical testing. Allele origin: germline.

ARUP Laboratories, Molecular Genetics and Genomics, ARUP Laboratories
Classification: Uncertain significance. Last evaluated: 2022-03-30. Review status: criteria provided, single submitter. Criteria: ARUP Molecular Germline Variant Investigation Process 2021. Collection method: clinical testing. Allele origin: germline.
Comment: The AGL c.1028G>A; p.Arg343Gln variant (rs137943515), to our knowledge, is not reported in the medical literature but is reported in ClinVar (Variation ID: 445557). This variant is found in the general population with an overall allele frequency of 0.05% (129/282664 alleles) in the Genome Aggregation Database. The arginine at codon 343 is highly conserved, but computational analyses are uncertain whether this variant is neutral or deleterious (REVEL: 0.659). Due to limited information, the clinical significance of this variant is uncertain at this time.

Fulgent Genetics
Classification: Uncertain significance for Glycogen storage disease type III. Last evaluated: 2021-09-28. Review status: criteria provided, single submitter. Criteria: ACMG Guidelines, 2015. Collection method: clinical testing. Allele origin: unknown.

Genome-Nilou Lab
Classification: Uncertain significance for Glycogen storage disease type III. Last evaluated: 2021-07-15. Review status: criteria provided, single submitter. Criteria: ACMG Guidelines, 2015. Collection method: clinical testing. Allele origin: germline. Affected: no.

GeneDx
Classification: Uncertain significance. Last evaluated: 2020-10-01. Review status: criteria provided, single submitter. Criteria: GeneDx Variant Classification Process June 2021. Collection method: clinical testing. Allele origin: germline. Affected: yes.
Comment: Has not been previously published as pathogenic or benign to our knowledge; In silico analysis supports that this missense variant has a deleterious effect on protein structure/function

Revvity Omics, Revvity
Classification: Uncertain significance for Glycogen storage disease type III. Last evaluated: 2020-01-07. Review status: criteria provided, single submitter. Criteria: ACMG Guidelines, 2015. Collection method: clinical testing. Allele origin: germline.

Center for Pediatric Genomic Medicine, Children's Mercy Hospital and Clinics
Classification: Uncertain significance. Last evaluated: 2017-09-25. Review status: criteria provided, single submitter. Criteria: ACMG Guidelines, 2015. Collection method: clinical testing. Allele origin: germline.

Natera, Inc.
Classification: Uncertain significance for Glycogen storage disease type III. Last evaluated: 2020-09-16. Review status: no assertion criteria provided. Collection method: clinical testing. Allele origin: germline. Not counted in ClinVar's aggregate classification.

NM_000642.3(AGL):c.1028G>A (p.Arg343Gln)

Gene: AGL (amylo-alpha-1,6-glucosidase and 4-alpha-glucanotransferase; plus strand). Cytogenetic location: 1p21.2.
Variant type: single nucleotide variant.
Coding change: c.1028G>A on transcript NM_000642.3 (MANE Select); coding-DNA position 1028, G replaced by A.
Protein change: p.Arg343Gln; replaces arginine 343 with glutamine.
Molecular consequence: missense variant.
Genome position (GRCh38, 1-based): chr1:99,874,756, G>A. VCF-style: chr1-99874756-G-A. GRCh37 (hg19) VCF-style: chr1-100340312-G-A.
Other names: p.Arg343Gln; c.1028G>A, p.Arg343Gln (NM_000028.3, NM_000643.3, NM_000644.3 and 3 more transcripts); c.980G>A, p.Arg327Gln (NM_000646.3); c.824G>A, p.Arg275Gln (NM_001425328.1, NM_001425329.1); c.650G>A, p.Arg217Gln (NM_001425332.1); short protein forms R343Q, R327Q, R217Q, R275Q.
Identifiers: ClinVar variation 445557 (VCV000445557.65), dbSNP rs137943515, ClinGen allele CA966353.
Genomic context (GRCh38, chr1:99,874,756, plus strand): 5'-GAGTAACCAAGTCTGATCCAAACCAACACCTTACGATTATTCAAGATCCTGAATACAGAC[G>A]GTTTGGCTGTACTGTAGATATGAACATTGCACTAACGACTTTCATACCACATGAGTATGT-3'
Protein context (NP_000633.2, residues 333-353): LTIIQDPEYR[Arg343Gln]FGCTVDMNIA